The following is an entry in ClinVar:

ClinVar aggregate classification (germline): Conflicting classifications of pathogenicity. Review status: criteria provided, conflicting classifications (1 of 4 stars). 5 submissions from 5 submitters: Uncertain significance (4); Likely benign (1). Last evaluated 2026-07-23.

Conditions:
DSP-related disorder. Also called: DSP-related condition; DSP-related disorders.
Cardiovascular phenotype. Identifiers: MedGen CN230736.
Arrhythmogenic right ventricular dysplasia 8 (ARVD8). Also called: ARRHYTHMOGENIC RIGHT VENTRICULAR CARDIOMYOPATHY 8; ARRHYTHMOGENIC RIGHT VENTRICULAR DYSPLASIA, FAMILIAL, 8; Arrhythmogenic Right Ventricular Dysplasia/Cardiomyopathy 8. Identifiers: MedGen C1843896, MONDO:0011831, OMIM 607450.
Arrhythmogenic cardiomyopathy with wooly hair and keratoderma. Also called: Dilated cardiomyopathy with woolly hair and keratoderma; PALMOPLANTAR KERATODERMA WITH LEFT VENTRICULAR CARDIOMYOPATHY AND WOOLLY HAIR; Arrhythmogenic cardiomyopathy with woolly hair and keratoderma; Carvajal syndrome. Identifiers: Orphanet 65282, MedGen C1854063, MONDO:0011581, OMIM 605676.

Allele frequency attached by ClinVar (database versions not stated): ExAC 0.00001; gnomAD exomes 0.00001 and 0.00002; gnomAD 0.00002 and 0.00003; TOPMed 0.00002.
gnomAD v4.1: 17 of 1,614,008 alleles (0.0011%); highest among the groups gnomAD compares: Middle Eastern, 0.016%; no homozygotes.

Submissions (5):

PreventionGenetics, part of Exact Sciences
Classification: Uncertain significance for DSP-related condition. Last evaluated: 2026-07-23. Review status: criteria provided, single submitter. Criteria: ACMG Guidelines, 2015. Collection method: clinical testing. Allele origin: germline.
Comment: The DSP c.4670C>T variant is predicted to result in the amino acid substitution p.Thr1557Met. This variant was reported in at least one individual with dilated cardiomyopathy (Supplemental Table S1A, Walsh et al. 2017. PubMed ID: 27532257; Supplemental Table S9, McGurk et al. 2023. PubMed ID: 37652022). This variant is reported in 0.0098% of alleles in individuals of South Asian descent in gnomAD. At this time, the clinical significance of this variant is uncertain due to the absence of conclusive functional and genetic evidence.

Labcorp Genetics (formerly Invitae), Labcorp
Classification: Likely benign for Arrhythmogenic cardiomyopathy with wooly hair and keratoderma; Arrhythmogenic right ventricular dysplasia 8. Last evaluated: 2025-12-29. Review status: criteria provided, single submitter. Criteria: Invitae Variant Classification Sherloc (09022015). Collection method: clinical testing. Allele origin: germline.

All of Us Research Program, National Institutes of Health
Classification: Uncertain significance for Arrhythmogenic cardiomyopathy with wooly hair and keratoderma. Last evaluated: 2024-07-20. Review status: criteria provided, single submitter. Criteria: ACMG Guidelines, 2015. Collection method: clinical testing. Allele origin: germline. Inheritance: Autosomal dominant inheritance. Observed: 3 variant alleles, 3 heterozygotes.
Comment: This missense variant replaces threonine with methionine at codon 1557 of the DSP protein. Computational prediction suggests that this variant may not impact protein structure and function (internally defined REVEL score threshold <= 0.5, PMID: 27666373). To our knowledge, functional studies have not been reported for this variant. This variant has been reported in an individual affected with dilated cardiomyopathy (PMID: 27532257). This variant has been identified in 5/250182 chromosomes in the general population by the Genome Aggregation Database (gnomAD). The available evidence is insufficient to determine the role of this variant in disease conclusively. Therefore, this variant is classified as a Variant of Uncertain Significance.

This study involves interpretation of variants in research participants for the purpose of population health screening. Participant phenotype was not available at the time of variant classification. Additional details can be found in publication PMID: 35346344, PMCID: PMC8962531

Ambry Genetics
Classification: Uncertain significance for Cardiovascular phenotype. Last evaluated: 2021-12-17. Review status: criteria provided, single submitter. Criteria: Ambry Variant Classification Scheme 2023. Collection method: clinical testing. Allele origin: germline.
Comment: The p.T1557M variant (also known as c.4670C>T), located in coding exon 23 of the DSP gene, results from a C to T substitution at nucleotide position 4670. The threonine at codon 1557 is replaced by methionine, an amino acid with similar properties. This alteration has been reported in a cardiomyopathy cohort with limited clinical details (Walsh R et al. Genet Med, 2017 02;19:192-203). This amino acid position is poorly conserved in available vertebrate species. In addition, this alteration is predicted to be tolerated by in silico analysis. Since supporting evidence is limited at this time, the clinical significance of this alteration remains unclear.

GeneDx
Classification: Uncertain significance. Last evaluated: 2019-10-02. Review status: criteria provided, single submitter. Criteria: GeneDx Variant Classification Process June 2021. Collection method: clinical testing. Allele origin: germline. Affected: yes.
Comment: Reported in association with DCM; however, no additional clinical information was provided (Walsh et al., 2017); Reported in ClinVar as a variant of uncertain significance by another clinical laboratory (ClinVar Variant ID# 246666; Landrum et al., 2016); Not observed at a significant frequency in large population cohorts (Lek et al., 2016); In silico analysis, which includes protein predictors and evolutionary conservation, supports that this variant does not alter protein structure/function; This variant is associated with the following publications: (PMID: 27532257)

Literature cited by the submitters: PubMed 27532257 (cited by All of Us Research Program, National Institutes of Health and Ambry Genetics).

NM_004415.4(DSP):c.4670C>T (p.Thr1557Met)

Gene: DSP (desmoplakin; plus strand). Cytogenetic location: 6p24.3.
Variant type: single nucleotide variant.
Coding change: c.4670C>T on transcript NM_004415.4 (MANE Select); coding-DNA position 4670, C replaced by T.
Protein change: p.Thr1557Met; replaces threonine 1557 with methionine.
Molecular consequence: missense variant. On other transcripts: intron variant (2).
Genome position (GRCh38, 1-based): chr6:7,580,860, C>T. VCF-style: chr6-7580860-C-T. GRCh37 (hg19) VCF-style: chr6-7581093-C-T.
Other names: c.4050+620C>T (NM_001319034.2); c.3582+1088C>T (NM_001008844.3); c.4670C>T (NM_004415.3, LRG_423t1); short protein forms T1557M.
Identifiers: ClinVar variation 246666 (VCV000246666.12), dbSNP rs747582734, ClinGen allele CA042391.